The following is an entry in ClinVar:

ClinVar aggregate classification (germline): Conflicting classifications of pathogenicity. Review status: criteria provided, conflicting classifications (1 of 4 stars). 9 submissions from 9 submitters: Uncertain significance (7); Benign (1). 1 of the submissions does not count toward it. Last evaluated 2025-12-20.

Conditions:
Hereditary nonpolyposis colorectal neoplasms. Identifiers: MedGen C0009405, MeSH D003123.
Lynch syndrome 5 (LYNCH5). Also called: Hereditary non-polyposis colorectal cancer, type 5; Colorectal cancer, hereditary nonpolyposis, type 5. Identifiers: Orphanet 144, MedGen C1833477, MONDO:0013710, OMIM 614350. Disease mechanism: loss of function.
Hereditary cancer-predisposing syndrome. Also called: Tumor predisposition; Hereditary neoplastic syndrome; Hereditary Cancer Syndrome; Neoplastic Syndromes, Hereditary. Identifiers: Orphanet 140162, MedGen C0027672, MeSH D009386, MONDO:0015356.
Lynch syndrome. Identifiers: Orphanet 144, MedGen C4552100, MONDO:0005835. Disease mechanism: loss of function.
Endometrial carcinoma. Also called: Endometrial carcinoma, somatic. Identifiers: MedGen C0476089, MONDO:0002447, OMIM 608089, HP:0012114.

Allele frequency attached by ClinVar (database versions not stated): gnomAD 0.00001; TOPMed 0.00001.
gnomAD v4.1: 3 of 1,610,338 alleles (0.00019%); highest among the groups gnomAD compares: African/African-American, 0.004%; no homozygotes.

Submissions (9):

Labcorp Genetics (formerly Invitae), Labcorp
Classification: Benign for Hereditary nonpolyposis colorectal neoplasms. Last evaluated: 2025-12-20. Review status: criteria provided, single submitter. Criteria: Invitae Variant Classification Sherloc (09022015). Collection method: clinical testing. Allele origin: germline.

Ambry Genetics
Classification: Uncertain significance for Hereditary cancer-predisposing syndrome. Last evaluated: 2025-02-28. Review status: criteria provided, single submitter. Criteria: Ambry Variant Classification Scheme 2023. Collection method: clinical testing. Allele origin: germline.
Comment: The p.T213P variant (also known as c.637A>C), located in coding exon 4 of the MSH6 gene, results from an A to C substitution at nucleotide position 637. The threonine at codon 213 is replaced by proline, an amino acid with highly similar properties. This amino acid position is not well conserved in available vertebrate species. In addition, this alteration is predicted to be tolerated by in silico analysis. Since supporting evidence is limited at this time, the clinical significance of this alteration remains unclear.

Women's Health and Genetics/Laboratory Corporation of America, LabCorp
Classification: Uncertain significance. Last evaluated: 2024-03-31. Review status: criteria provided, single submitter. Criteria: LabCorp Variant Classification Summary - May 2015. Collection method: clinical testing. Allele origin: germline.

All of Us Research Program, National Institutes of Health
Classification: Uncertain significance for Lynch syndrome. Last evaluated: 2023-12-18. Review status: criteria provided, single submitter. Criteria: ACMG Guidelines, 2015. Collection method: clinical testing. Allele origin: germline. Inheritance: Autosomal dominant inheritance. Observed: 1 variant allele, 1 heterozygote.
Comment: This missense variant replaces threonine with proline at codon 213 of the MSH6 protein. Computational prediction suggests that this variant may not impact protein structure and function (internally defined REVEL score threshold <= 0.5, PMID: 27666373). To our knowledge, functional studies have not been reported for this variant. This variant has not been reported in individuals affected with MSH6-related disorders in the literature. This variant has been identified in 1/31408 chromosomes in the general population by the Genome Aggregation Database (gnomAD). The available evidence is insufficient to determine the role of this variant in disease conclusively. Therefore, this variant is classified as a Variant of Uncertain Significance.

This study involves interpretation of variants in research participants for the purpose of population health screening. Participant phenotype was not available at the time of variant classification. Additional details can be found in publication PMID: 35346344, PMCID: PMC8962531

Color Diagnostics, LLC DBA Color Health
Classification: Uncertain significance for Hereditary cancer-predisposing syndrome. Last evaluated: 2023-12-05. Review status: criteria provided, single submitter. Criteria: ACMG Guidelines, 2015. Collection method: clinical testing. Allele origin: germline.
Comment: This missense variant replaces threonine with proline at codon 213 of the MSH6 protein. Computational prediction suggests that this variant may not impact protein structure and function (internally defined REVEL score threshold <= 0.5, PMID: 27666373). To our knowledge, functional studies have not been reported for this variant. This variant has not been reported in individuals affected with MSH6-related disorders in the literature. This variant has been identified in 1/31408 chromosomes in the general population by the Genome Aggregation Database (gnomAD). The available evidence is insufficient to determine the role of this variant in disease conclusively. Therefore, this variant is classified as a Variant of Uncertain Significance.

Baylor Genetics
Classification: Uncertain significance for Endometrial carcinoma. Last evaluated: 2023-10-16. Review status: criteria provided, single submitter. Criteria: ACMG Guidelines, 2015. Collection method: clinical testing. Allele origin: unknown.

Myriad Genetics, Inc.
Classification: Uncertain significance for Lynch syndrome 5. Last evaluated: 2023-03-27. Review status: criteria provided, single submitter. Criteria: Myriad Autosomal Dominant, Autosomal Recessive and X-Linked Classification Criteria (2023). Collection method: clinical testing. Allele origin: unknown.
Comment: This variant is classified as a variant of uncertain significance as there is insufficient evidence to determine its impact on protein function and/or cancer risk.

GeneDx
Classification: Uncertain significance. Last evaluated: 2022-11-25. Review status: criteria provided, single submitter. Criteria: GeneDx Variant Classification Process June 2021. Collection method: clinical testing. Allele origin: germline.
Comment: Not observed at significant frequency in large population cohorts (gnomAD); In silico analysis supports that this missense variant does not alter protein structure/function; Has not been previously published as pathogenic or benign to our knowledge; This variant is associated with the following publications: (PMID: 21437237)

Counsyl
Classification: Uncertain significance for Lynch syndrome 5. Last evaluated: 2018-04-12. Review status: no assertion criteria provided. Collection method: clinical testing. Allele origin: unknown. Not counted in ClinVar's aggregate classification.

NM_000179.3(MSH6):c.637A>C (p.Thr213Pro)

Gene: MSH6 (mutS homolog 6; plus strand). Cytogenetic location: 2p16.3.
Variant type: single nucleotide variant.
Coding change: c.637A>C on transcript NM_000179.3 (MANE Select); coding-DNA position 637, A replaced by C.
Protein change: p.Thr213Pro; replaces threonine 213 with proline.
Molecular consequence: missense variant. On other transcripts: 5 prime UTR variant (2).
Genome position (GRCh38, 1-based): chr2:47,798,620, A>C. VCF-style: chr2-47798620-A-C. GRCh37 (hg19) VCF-style: chr2-48025759-A-C.
Other names: c.247A>C, p.Thr83Pro (NM_001281492.2); c.-270A>C (NM_001281493.2, NM_001281494.2); short protein forms T213P, T83P.
Identifiers: ClinVar variation 231285 (VCV000231285.24), dbSNP rs876659071, ClinGen allele CA10578041.
Genomic context (GRCh38, chr2:47,798,620, plus strand): 5'-TGGTTTTCCAAATTTTGATTTGTTTTTAAATACTCTTTCCTTGCCTGGCAGGTAGGCACA[A>C]CTTACGTAACAGATAAGAGTGAAGAAGATAATGAAATTGAGAGTGAAGAGGAAGTACAGC-3'
Protein context (NP_000170.1, residues 203-223): EEEEEMEVGT[Thr213Pro]YVTDKSEEDN